The following is an entry in ClinVar:

ClinVar aggregate classification (germline): Uncertain significance (1 of 4 stars; one submission).

Conditions:
Hereditary cancer-predisposing syndrome. Also called: Neoplastic Syndromes, Hereditary; Tumor predisposition; Hereditary neoplastic syndrome; Hereditary Cancer Syndrome. Identifiers: Orphanet 140162, MedGen C0027672, MeSH D009386, MONDO:0015356.

Submission:

Ambry Genetics
Classification: Uncertain significance for Hereditary cancer-predisposing syndrome. Last evaluated: 2023-11-16. Review status: criteria provided, single submitter. Criteria: Ambry Variant Classification Scheme 2023. Collection method: clinical testing. Allele origin: germline.
Comment: The c.1235_1261dup27 variant (also known as p.N412_A420dup), located in coding exon 9 of the STK11 gene, results from an in-frame duplication of 27 nucleotides at nucleotide positions 1235 to 1261. This results in the duplication of 9 extra residues (NPARKACSA) between codons 412 and 420. This amino acid region is not well conserved in available vertebrate species. In addition, this alteration is predicted to be neutral by in silico analysis (Choi Y et al. PLoS ONE. 2012; 7(10):e46688). Since supporting evidence is limited at this time, the clinical significance of this alteration remains unclear.

NM_000455.5(STK11):c.1235_1261dup (p.Ala420_Ser421insAsnProAlaArgLysAlaCysSerAla)

Gene: STK11 (serine/threonine kinase 11; plus strand). Cytogenetic location: 19p13.3.
Variant type: Duplication.
Coding change: c.1235_1261dup on transcript NM_000455.5 (MANE Select); coding-DNA positions 1235 to 1261, 27 bases duplicated (ACCCTGCCCGCAAGGCCTGCTCCGCCA).
Protein change: p.Ala420_Ser421insAsnProAlaArgLysAlaCysSerAla.
Molecular consequence: inframe insertion. On other transcripts: non-coding transcript variant (1), inframe indel (1).
Genome position (GRCh38, 1-based): chr19:1,226,580-1,226,606, ACCCTGCCCGCAAGGCCTGCTCCGCCA duplicated; duplicating any 27 consecutive bases within chr19:1,226,577-1,226,606 gives the same sequence; the c. name uses the placement nearest the transcript's 3' end. VCF-style (leftmost placement, unchanged base first): chr19-1226576-C-CCCAACCCTGCCCGCAAGGCCTGCTCCG. GRCh37 (hg19) VCF-style: chr19-1226575-C-CCCAACCCTGCCCGCAAGGCCTGCTCCG.
Other names: c.1235_1261dupACCCTGCCCGCAAGGCCTGCTCCGCCA (NM_000455.4).
Identifiers: ClinVar variation 3231734 (VCV003231734.1), dbSNP rs2512955154, ClinGen allele CA2825002721.
Genomic context (GRCh38, chr19:1,226,576, plus strand): 5'-TGTATGAACGGCACAGAGGCGGCGCAGCTGAGCACCAAATCCAGGGCGGAGGGCCGGGCC[C>CCCAACCCTGCCCGCAAGGCCTGCTCCG]CCAACCCTGCCCGCAAGGCCTGCTCCGCCAGCAGCAAGATCCGCCGGCTGTCGGCCTGCA-3'